The following is an entry in ClinVar:

ClinVar aggregate classification (germline): Uncertain significance (1 of 4 stars; one submission).

gnomAD v4.1: 5 of 1,601,200 alleles (0.00031%); highest among the groups gnomAD compares: Non-Finnish European, 0.00043%; no homozygotes.

Submission:

GeneDx
Classification: Uncertain significance. Last evaluated: 2024-09-03. Review status: criteria provided, single submitter. Criteria: GeneDx Variant Classification Process June 2021. Collection method: clinical testing. Allele origin: germline. Affected: yes.
Comment: Not observed at significant frequency in large population cohorts (gnomAD); Missense variant in a gene in which most reported pathogenic variants are truncating/loss of function; Has not been previously published as pathogenic or benign to our knowledge

NM_001267550.2(TTN):c.44471A>T (p.Asp14824Val)

Gene: TTN (titin; minus strand). Cytogenetic location: 2q31.2.
Variant type: single nucleotide variant.
Coding change: c.44471A>T on transcript NM_001267550.2 (MANE Select); coding-DNA position 44471, A replaced by T.
Protein change: p.Asp14824Val; replaces aspartic acid 14824 with valine.
Molecular consequence: missense variant.
Genome position (GRCh38, 1-based): chr2:178,625,350, T>A on the plus strand (A>T on the coding strand, the complement: TTN is on the minus strand). VCF-style: chr2-178625350-T-A. GRCh37 (hg19) VCF-style: chr2-179490077-T-A.
Other names: c.39548A>T, p.Asp13183Val (NM_001256850.1); c.17276A>T, p.Asp5759Val (NM_003319.4); c.36767A>T, p.Asp12256Val (NM_133378.4); c.17651A>T, p.Asp5884Val (NM_133432.3); c.17852A>T, p.Asp5951Val (NM_133437.4); short protein forms D12256V, D13183V, D14824V, D5759V, D5884V, D5951V.
Identifiers: ClinVar variation 3765971 (VCV003765971.1).